The following is an entry in ClinVar:

NM_004714.3(DYRK1B):c.1479T>A (p.Pro493=)

Gene: DYRK1B (dual specificity tyrosine phosphorylation regulated kinase 1B; minus strand). Cytogenetic location: 19q13.2.
Variant type: single nucleotide variant.
Coding change: c.1479T>A on transcript NM_004714.3 (MANE Select); coding-DNA position 1479, T replaced by A.
Protein change: p.Pro493=; no amino-acid change (proline 493 retained).
Molecular consequence: synonymous variant.
Genome position (GRCh38, 1-based): chr19:39,826,219, A>T on the plus strand (T>A on the coding strand, the complement: DYRK1B is on the minus strand). VCF-style: chr19-39826219-A-T. GRCh37 (hg19) VCF-style: chr19-40316859-A-T.
Other names: c.1359T>A, p.Pro453= (NM_006483.3); c.1395T>A, p.Pro465= (NM_006484.3).
Identifiers: ClinVar variation 3350536 (VCV003350536.1).

ClinVar aggregate classification (germline): Likely benign (0 of 4 stars; one submission).

Conditions:
DYRK1B-related disorder. Also called: DYRK1B-related condition.

Submission:

PreventionGenetics, part of Exact Sciences
Classification: Likely benign for DYRK1B-related condition. Last evaluated: 2023-08-04. Review status: no assertion criteria provided. Collection method: clinical testing. Allele origin: germline.
Comment: This variant is classified as likely benign based on ACMG/AMP sequence variant interpretation guidelines (Richards et al. 2015 PMID: 25741868, with internal and published modifications).